The following is an entry in ClinVar:

ClinVar aggregate classification (germline): Uncertain significance. Review status: criteria provided, multiple submitters, no conflicts (2 of 4 stars). 2 submissions from 2 submitters: Uncertain significance (2). Last evaluated 2025-08-24.

Conditions:
Hereditary cancer-predisposing syndrome. Also called: Hereditary neoplastic syndrome; Tumor predisposition; Hereditary Cancer Syndrome; Neoplastic Syndromes, Hereditary. Identifiers: Orphanet 140162, MedGen C0027672, MeSH D009386, MONDO:0015356.
Gastrointestinal stromal tumor. Also called: Gastrointestinal stroma tumor; Gastrointestinal stromal tumor, somatic. Identifiers: Orphanet 44890, MedGen C0238198, MeSH D046152, MONDO:0011719, OMIM 606764, HP:0100723.
Pheochromocytoma/paraganglioma syndrome 4. Also called: CAROTID BODY TUMORS AND MULTIPLE EXTRAADRENAL PHEOCHROMOCYTOMAS; SDHB-Related Hereditary Paraganglioma-Pheochromocytoma Syndrome; PARAGANGLIOMA, FAMILIAL MALIGNANT; PARAGANGLIOMAS, HEREDITARY EXTRAADRENAL; PHEOCHROMOCYTOMA, FAMILIAL EXTRAADRENAL; Paragangliomas 4. Identifiers: Orphanet 29072, MedGen C1861848, MONDO:0007273, OMIM 115310.
Pheochromocytoma. Also called: MAX-Related Hereditary Paraganglioma-Pheochromocytoma Syndrome. Identifiers: Orphanet 29072, MedGen C0031511, MONDO:0008233, OMIM 171300, HP:0002666.

Submissions (2):

Ambry Genetics
Classification: Uncertain significance for Hereditary cancer-predisposing syndrome. Last evaluated: 2025-08-24. Review status: criteria provided, single submitter. Criteria: Ambry Variant Classification Scheme 2023. Collection method: clinical testing. Allele origin: germline.
Comment: The p.R116M variant (also known as c.347G>T), located in coding exon 4 of the SDHB gene, results from a G to T substitution at nucleotide position 347. The arginine at codon 116 is replaced by methionine, an amino acid with similar properties. This amino acid position is conserved. In addition, this alteration is predicted to be deleterious by in silico analysis. Based on the available evidence, the clinical significance of this variant remains unclear.

Labcorp Genetics (formerly Invitae), Labcorp
Classification: Uncertain significance for Gastrointestinal stromal tumor; Pheochromocytoma/paraganglioma syndrome 4; Pheochromocytoma. Last evaluated: 2021-03-29. Review status: criteria provided, single submitter. Criteria: Invitae Variant Classification Sherloc (09022015). Collection method: clinical testing. Allele origin: germline.
Comment: In summary, the available evidence is currently insufficient to determine the role of this variant in disease. Therefore, it has been classified as a Variant of Uncertain Significance. Algorithms developed to predict the effect of missense changes on protein structure and function are either unavailable or do not agree on the potential impact of this missense change (SIFT: "Deleterious"; PolyPhen-2: "Benign"; Align-GVGD: "Class C35"). This variant has not been reported in the literature in individuals with SDHB-related conditions. This variant is not present in population databases (ExAC no frequency). This sequence change replaces arginine with methionine at codon 116 of the SDHB protein (p.Arg116Met). The arginine residue is moderately conserved and there is a moderate physicochemical difference between arginine and methionine.

NM_003000.3(SDHB):c.347G>T (p.Arg116Met)

Gene: SDHB (succinate dehydrogenase complex iron sulfur subunit B; minus strand). Cytogenetic location: 1p36.13.
Variant type: single nucleotide variant.
Coding change: c.347G>T on transcript NM_003000.3 (MANE Select); coding-DNA position 347, G replaced by T.
Protein change: p.Arg116Met; replaces arginine 116 with methionine.
Molecular consequence: missense variant.
Genome position (GRCh38, 1-based): chr1:17,028,676, C>A on the plus strand (G>T on the coding strand, the complement: SDHB is on the minus strand). VCF-style: chr1-17028676-C-A. GRCh37 (hg19) VCF-style: chr1-17355171-C-A.
Other names: c.347G>T (NM_003000.2); short protein forms R116M.
Identifiers: ClinVar variation 1482639 (VCV001482639.9), dbSNP rs777234785, ClinGen allele CA338274628.